The following is an entry in ClinVar:

ClinVar aggregate classification (germline): Uncertain significance (1 of 4 stars; one submission).

Conditions:
Fanconi anemia complementation group E (FANCE). Also called: FANCE-Related Fanconi Anemia. Identifiers: Orphanet 84, MedGen C3160739, MONDO:0010953, OMIM 600901.

Submission:

Labcorp Genetics (formerly Invitae), Labcorp
Classification: Uncertain significance for Fanconi anemia complementation group E. Last evaluated: 2021-08-27. Review status: criteria provided, single submitter. Criteria: Invitae Variant Classification Sherloc (09022015). Collection method: clinical testing. Allele origin: germline.
Comment: This sequence change replaces proline with arginine at codon 536 of the FANCE protein (p.Pro536Arg). The proline residue is weakly conserved and there is a moderate physicochemical difference between proline and arginine. This variant is not present in population databases (ExAC no frequency). This variant has not been reported in the literature in individuals affected with FANCE-related conditions. Algorithms developed to predict the effect of missense changes on protein structure and function output the following: SIFT: "Tolerated"; PolyPhen-2: "Probably Damaging"; Align-GVGD: "Class C0". The arginine amino acid residue is found in multiple mammalian species, which suggests that this missense change does not adversely affect protein function. In summary, the available evidence is currently insufficient to determine the role of this variant in disease. Therefore, it has been classified as a Variant of Uncertain Significance.

NM_021922.3(FANCE):c.1607C>G (p.Pro536Arg)

Gene: FANCE (FA complementation group E; plus strand). Cytogenetic location: 6p21.31.
Variant type: single nucleotide variant.
Coding change: c.1607C>G on transcript NM_021922.3 (MANE Select); coding-DNA position 1607, C replaced by G.
Protein change: p.Pro536Arg; replaces proline 536 with arginine.
Molecular consequence: missense variant.
Genome position (GRCh38, 1-based): chr6:35,466,341, C>G. VCF-style: chr6-35466341-C-G. GRCh37 (hg19) VCF-style: chr6-35434118-C-G.
Other names: short protein forms P536R.
Identifiers: ClinVar variation 1012140 (VCV001012140.6), dbSNP rs1767835596, ClinGen allele CA363778870.
Genomic context (GRCh38, chr6:35,466,341, plus strand): 5'-TAGAACCTAACACCACCTTCCTGAGGAAGTCCCTGAAGGCCGCCTTGAAACATTTGGGCC[C>G]CTGACCATCCACCAAGGGACCACCCTCTTGGTGCTCCATCACCAGCTTCCTGAAGGGCAT-3'
Protein context (NP_068741.1, residues 526-536): SLKAALKHLG[Pro536Arg]